The following is an entry in ClinVar:

ClinVar aggregate classification (germline): Pathogenic. Review status: criteria provided, multiple submitters, no conflicts (2 of 4 stars). 3 submissions from 3 submitters: Pathogenic (2). 1 of the submissions does not count toward it. Last evaluated 2025-09-04.

Conditions:
Rahman syndrome. Also called: HIST1H1E Syndrome. Identifiers: Orphanet 642763, MedGen C4479637, MONDO:0044323, OMIM 617537.

Submissions (3):

Molecular Biology Laboratory, CHU Sainte-Justine
Classification: Pathogenic for Rahman syndrome. Last evaluated: 2025-09-04. Review status: criteria provided, single submitter. Criteria: ACMG Guidelines, 2015. Collection method: clinical testing. Allele origin: de novo. Inheritance: Autosomal dominant inheritance. Affected: yes.
Comment: The c.435dupC (p.Thr146Hisfs*50) variant in HIST1H1E (NM_005321.4) is a truncating frameshift located in the C-terminal domain, which is the known mutational hotspot for Rahman syndrome (#617537). All reported truncating variants in this region are associated with pathogenicity through a dominant negative mechanism related to chromatin dysregulation. Based on the ACMG/AMP criteria (PVS1, PS2, PM2), this variant is classified as Pathogenic.

CeGaT Center for Human Genetics Tuebingen
Classification: Pathogenic. Last evaluated: 2019-12-01. Review status: criteria provided, single submitter. Criteria: CeGaT Center For Human Genetics Tuebingen Variant Classification Criteria Version 2. Collection method: clinical testing. Allele origin: germline. Affected: yes. Observed: 1 variant allele.

GeneReviews
No classification provided. Condition: Rahman syndrome. Review status: no classification provided. Collection method: literature only. Allele origin: de novo. Not counted in ClinVar's aggregate classification.

Literature cited by the submitters: PubMed 29036820 (cited by Molecular Biology Laboratory, CHU Sainte-Justine); NCBI Bookshelf NBK564966 (cited by GeneReviews); PubMed 33270410 (cited by GeneReviews).

NM_005321.3(H1-4):c.435dup (p.Thr146fs)

Gene: H1-4 (H1.4 linker histone, cluster member; plus strand). Cytogenetic location: 6p22.2.
Variant type: Duplication.
Coding change: c.435dup on transcript NM_005321.3 (MANE Select); coding-DNA position 435, one base duplicated (C; older notation c.435dupC).
Protein change: p.Thr146fs; shifts the reading frame from threonine 146.
Molecular consequence: frameshift variant.
Genome position (GRCh38, 1-based): chr6:26,156,825, C duplicated; the last of 2 consecutive C bases (chr6:26,156,824-26,156,825); duplicating either gives the same sequence. VCF-style (leftmost placement, unchanged base first): chr6-26156823-G-GC. GRCh37 (hg19) VCF-style: chr6-26157051-G-GC.
Other names: p.Thr146Hisfs*50; c.435dupC (NM_005321.3); short protein forms T146fs.
Identifiers: ClinVar variation 870827 (VCV000870827.43), dbSNP rs1764194669, ClinGen allele CA1139659464.